The following is an entry in ClinVar:

NM_000551.4(VHL):c.501_502insTTGTCCGT (p.Ser168fs)

Genes: VHL (von Hippel-Lindau tumor suppressor; plus strand), LOC107303340 (3p25 von Hippel-Lindau tumor suppressor, E3 ubiquitin protein ligase Alu-mediated recombination region; plus strand). Cytogenetic location: 3p25.3.
Variant type: Insertion.
Coding change: c.501_502insTTGTCCGT on transcript NM_000551.4 (MANE Select); coding-DNA positions 501 to 502, TTGTCCGT inserted.
Protein change: p.Ser168fs; shifts the reading frame from serine 168.
Molecular consequence: frameshift variant. On other transcripts: 3 prime UTR variant (1).
Genome position: GRCh38 VCF-style: chr3-10149824-G-GTTGTCCGT. GRCh37 (hg19) VCF-style: chr3-10191508-G-GTTGTCCGT.
Other names: c.*55_*56insTTGTCCGT (NM_001354723.2); c.378_379insTTGTCCGT, p.Ser127fs (NM_198156.3); short protein forms S168fs, S127fs.
Identifiers: ClinVar variation 93329 (VCV000093329.23), dbSNP rs398123483, ClinGen allele CA020458.

ClinVar aggregate classification (germline): Pathogenic/Likely pathogenic. Review status: criteria provided, multiple submitters, no conflicts (2 of 4 stars). 7 submissions from 7 submitters: Pathogenic (5); Likely pathogenic (1). 1 of the submissions does not count toward it. Last evaluated 2025-03-05.

Conditions:
Hereditary cancer-predisposing syndrome. Also called: Hereditary Cancer Syndrome; Neoplastic Syndromes, Hereditary; Tumor predisposition; Hereditary neoplastic syndrome. Identifiers: Orphanet 140162, MedGen C0027672, MeSH D009386, MONDO:0015356.
Von Hippel-Lindau syndrome (VHLS). Also called: Von Hippel-Lindau; VHL syndrome; von Hippel–Lindau syndrome. Identifiers: Orphanet 892, MedGen C0019562, MONDO:0008667, OMIM 193300. Disease mechanism: loss of function.
Chuvash polycythemia. Also called: POLYCYTHEMIA, VHL-DEPENDENT. Identifiers: Orphanet 238557, MedGen C1837915, MONDO:0009892, OMIM 263400.

Submissions (7):

Molecular Pathology, Peter Maccallum Cancer Centre
Classification: Pathogenic for Von Hippel-Lindau syndrome. Last evaluated: 2025-03-05. Review status: criteria provided, single submitter. Criteria: ACMG Guidelines, 2015. Collection method: clinical testing. Allele origin: germline. Inheritance: Autosomal dominant inheritance.

Labcorp Genetics (formerly Invitae), Labcorp
Classification: Pathogenic for Von Hippel-Lindau syndrome; Chuvash polycythemia. Last evaluated: 2023-05-20. Review status: criteria provided, single submitter. Criteria: Invitae Variant Classification Sherloc (09022015). Collection method: clinical testing. Allele origin: germline.
Comment: For these reasons, this variant has been classified as Pathogenic. This variant disrupts a region of the VHL protein in which other variant(s) (p.Ser183*) have been determined to be pathogenic (PMID: 8707293, 10567493, 11309459). This suggests that this is a clinically significant region of the protein, and that variants that disrupt it are likely to be disease-causing. ClinVar contains an entry for this variant (Variation ID: 93329). This variant is also known as "8-nt insertion (714)" or "715 insTTGTCCGT". This premature translational stop signal has been observed in individual(s) with von Hippel-Lindau syndrome (PMID: 7728151, 8493574). This variant is not present in population databases (gnomAD no frequency). This sequence change creates a premature translational stop signal (p.Ser168Leufs*5) in the VHL gene. While this is not anticipated to result in nonsense mediated decay, it is expected to disrupt the last 46 amino acid(s) of the VHL protein.

Women's Health and Genetics/Laboratory Corporation of America, LabCorp
Classification: Pathogenic for Von Hippel-Lindau syndrome. Last evaluated: 2022-10-21. Review status: criteria provided, single submitter. Criteria: LabCorp Variant Classification Summary - May 2015. Collection method: clinical testing. Allele origin: germline.
Comment: Variant summary: VHL c.501_502insTTGTCCGT (p.Ser168LeufsX5) results in a premature termination codon, predicted to cause a truncation of the encoded protein or absence of the protein due to nonsense mediated decay, which are commonly known mechanisms for disease. Truncations downstream of this position have been classified as pathogenic by our laboratory and associated with Von Hippel-Lindau Syndrome in HGMD. The variant was absent in 251460 control chromosomes. c.501_502insTTGTCCGT has been reported in the literature in multiple individuals affected with Von Hippel-Lindau Syndrome (Latif_1993, Chen_1995). These data indicate that the variant is very likely to be associated with disease. To our knowledge, no experimental evidence demonstrating an impact on protein function has been reported. Four clinical diagnostic laboratories have submitted clinical-significance assessments for this variant to ClinVar after 2014 without evidence for independent evaluation. All laboratories classified the variant as pathogenic (n=3) likely pathogenic (n=1). Based on the evidence outlined above, the variant was classified as pathogenic.

Ambry Genetics
Classification: Pathogenic for Hereditary cancer-predisposing syndrome. Last evaluated: 2021-09-20. Review status: criteria provided, single submitter. Criteria: Ambry Variant Classification Scheme 2023. Collection method: clinical testing. Allele origin: germline.
Comment: The c.501_502insTTGTCCGT pathogenic mutation, located in coding exon 3 of the VHL gene, results from an insertion of 8 nucleotides at position 501, causing a translational frameshift with a predicted alternate stop codon (p.S168Lfs*5). This alteration has been identified in Von Hippel-Lindau families (Latif F et al. Science, 1993 May;260:1317-20; Chen F et al. Hum. Mutat., 1995;5:66-75). In addition to the clinical data presented in the literature, this alteration is expected to result in loss of function by premature protein truncation. As such, this alteration is interpreted as a disease-causing mutation.

Clinical Genetics and Genomics, Karolinska University Hospital
Classification: Likely pathogenic. Last evaluated: 2019-01-15. Review status: criteria provided, single submitter. Criteria: ACMG Guidelines, 2015. Collection method: clinical testing. Allele origin: germline. Affected: yes. Observed: 1 variant allele.

Eurofins Ntd Llc (ga)
Classification: Pathogenic. Last evaluated: 2014-09-25. Review status: criteria provided, single submitter. Criteria: EGL Classification Definitions 2015. Collection method: clinical testing. Allele origin: germline. Observed: 2 variant alleles, 2 heterozygotes.

Genomic Diagnostic Laboratory, Division of Genomic Diagnostics, Children's Hospital of Philadelphia
Classification: Pathogenic for Von Hippel-Lindau syndrome. Last evaluated: 2016-02-26. Review status: no assertion criteria provided. Collection method: clinical testing. Allele origin: germline. Affected: yes. Observed: 6 variant alleles. Not counted in ClinVar's aggregate classification.

Literature cited by the submitters: PubMed 8707293 (cited by Labcorp Genetics (formerly Invitae), Labcorp); PubMed 10567493 (cited by Labcorp Genetics (formerly Invitae), Labcorp); PubMed 11309459 (cited by Labcorp Genetics (formerly Invitae), Labcorp); PubMed 7728151 (cited by 3 submitters); PubMed 8493574 (cited by 3 submitters); PubMed 9770531 (cited by Women's Health and Genetics/Laboratory Corporation of America, LabCorp); PubMed 28951115 (cited by Women's Health and Genetics/Laboratory Corporation of America, LabCorp).